The following is an entry in ClinVar:

ClinVar aggregate classification (germline): Uncertain significance. Review status: criteria provided, single submitter (1 of 4 stars). 3 submissions from 3 submitters: Uncertain significance (1). 2 of the submissions do not count toward it. Last evaluated 2022-08-30.

Conditions:
Developmental and epileptic encephalopathy, 11 (DEE11). Also called: Early infantile epileptic encephalopathy 11. Identifiers: Orphanet 1934, MedGen C3150987, MONDO:0013388, OMIM 613721.
Seizures, benign familial infantile, 3 (BFIS3). Also called: CONVULSIONS, BENIGN FAMILIAL INFANTILE, 3; Familial neonatal seizures. Identifiers: Orphanet 140927, Orphanet 306, MedGen C1843140, MONDO:0011904, OMIM 607745.

gnomAD v4.1: 4 of 1,607,416 alleles (0.00025%); highest among the groups gnomAD compares: African/African-American, 0.0027%; no homozygotes.

Submissions (3):

Labcorp Genetics (formerly Invitae), Labcorp
Classification: Uncertain significance for Seizures, benign familial infantile, 3; Developmental and epileptic encephalopathy, 11. Last evaluated: 2022-08-30. Review status: criteria provided, single submitter. Criteria: Invitae Variant Classification Sherloc (09022015). Collection method: clinical testing. Allele origin: germline.
Comment: This variant is not present in population databases (gnomAD no frequency). In summary, the available evidence is currently insufficient to determine the role of this variant in disease. Therefore, it has been classified as a Variant of Uncertain Significance. Variants that disrupt the consensus splice site are a relatively common cause of aberrant splicing (PMID: 17576681, 9536098). Algorithms developed to predict the effect of sequence changes on RNA splicing suggest that this variant is not likely to affect RNA splicing. ClinVar contains an entry for this variant (Variation ID: 1284966). This variant has not been reported in the literature in individuals affected with SCN2A-related conditions. This sequence change falls in intron 12 of the SCN2A gene. It does not directly change the encoded amino acid sequence of the SCN2A protein. It affects a nucleotide within the consensus splice site.

Clinical Genetics DNA and cytogenetics Diagnostics Lab, Erasmus MC, Erasmus Medical Center
Classification: Likely benign. Review status: no assertion criteria provided. Collection method: clinical testing. Allele origin: germline. Affected: yes. Study: VKGL Data-share Consensus. Not counted in ClinVar's aggregate classification.

Genome Diagnostics Laboratory, University Medical Center Utrecht
Classification: Likely benign. Review status: no assertion criteria provided. Collection method: clinical testing. Allele origin: germline. Affected: yes. Study: VKGL Data-share Consensus. Not counted in ClinVar's aggregate classification.

Literature cited by the submitters: PubMed 17576681 (cited by Labcorp Genetics (formerly Invitae), Labcorp); PubMed 9536098 (cited by Labcorp Genetics (formerly Invitae), Labcorp).

NM_001040142.2(SCN2A):c.2016+6G>T

Gene: SCN2A (sodium voltage-gated channel alpha subunit 2; plus strand). Cytogenetic location: 2q24.3.
Variant type: single nucleotide variant.
Coding change: c.2016+6G>T on transcript NM_001040142.2 (MANE Select); 6 bases into the intron after coding-DNA position 2016, G replaced by T.
Molecular consequence: intron variant.
Genome position (GRCh38, 1-based): chr2:165,323,506, G>T. VCF-style: chr2-165323506-G-T. GRCh37 (hg19) VCF-style: chr2-166180016-G-T.
Other names: c.2016+6G>T (NM_001040143.2, NM_001371246.1, NM_001371247.1 and 1 more transcripts).
Identifiers: ClinVar variation 1284966 (VCV001284966.7), dbSNP rs748611550, ClinGen allele CA1304533850.